The following is an entry in ClinVar:

ClinVar aggregate classification (germline): Likely benign. Review status: criteria provided, multiple submitters, no conflicts (2 of 4 stars). 3 submissions from 3 submitters: Likely benign (3). Last evaluated 2024-08-06.

Conditions:
Familial thoracic aortic aneurysm and aortic dissection (TAAD). Also called: Thoracic aortic aneurysms and dissections. Identifiers: Orphanet 91387, MedGen C4707243, MONDO:0019625.
Aortic aneurysm, familial thoracic 6 (AAT6). Also called: FAMILIAL THORACIC AORTIC ANEURYSM WITH LIVEDO RETICULARIS AND IRIS FLOCCULI. Identifiers: MedGen C2673186, MONDO:0012730, OMIM 611788.

Submissions (3):

All of Us Research Program, National Institutes of Health
Classification: Likely benign for Familial thoracic aortic aneurysm and aortic dissection. Last evaluated: 2024-08-06. Review status: criteria provided, single submitter. Criteria: ACMG Guidelines, 2015. Collection method: clinical testing. Allele origin: germline. Inheritance: Autosomal dominant inheritance. Observed: 2 variant alleles, 2 heterozygotes.
Comment: This study involves interpretation of variants in research participants for the purpose of population health screening. Participant phenotype was not available at the time of variant classification. Additional details can be found in publication PMID: 35346344, PMCID: PMC8962531

Color Diagnostics, LLC DBA Color Health
Classification: Likely benign for Familial thoracic aortic aneurysm and aortic dissection. Last evaluated: 2024-06-18. Review status: criteria provided, single submitter. Criteria: ACMG Guidelines, 2015. Collection method: clinical testing. Allele origin: germline.

Labcorp Genetics (formerly Invitae), Labcorp
Classification: Likely benign for Aortic aneurysm, familial thoracic 6. Last evaluated: 2023-10-28. Review status: criteria provided, single submitter. Criteria: Invitae Variant Classification Sherloc (09022015). Collection method: clinical testing. Allele origin: germline.

NM_001613.4(ACTA2):c.588T>G (p.Thr196=)

Gene: ACTA2 (actin alpha 2, smooth muscle; minus strand). Cytogenetic location: 10q23.31.
Variant type: single nucleotide variant.
Coding change: c.588T>G on transcript NM_001613.4 (MANE Select); coding-DNA position 588, T replaced by G.
Protein change: p.Thr196=; no amino-acid change (threonine 196 retained).
Molecular consequence: synonymous variant.
Genome position (GRCh38, 1-based): chr10:88,941,257, A>C on the plus strand (T>G on the coding strand, the complement: ACTA2 is on the minus strand). VCF-style: chr10-88941257-A-C. GRCh37 (hg19) VCF-style: chr10-90701014-A-C.
Other names: c.588T>G, p.Thr196= (NM_001141945.3, NM_001320855.2, NM_001406462.1 and 3 more transcripts); c.477T>G, p.Thr159= (NM_001406466.1); c.459T>G, p.Thr153= (NM_001406467.1, NM_001406468.1, NM_001406469.1).
Identifiers: ClinVar variation 2911132 (VCV002911132.5), dbSNP rs2494537581, ClinGen allele CA470733705.